The following is an entry in ClinVar:

NM_001851.6(COL9A1):c.1728T>G (p.Pro576=)

Gene: COL9A1 (collagen type IX alpha 1 chain; minus strand). Cytogenetic location: 6q13.
Variant type: single nucleotide variant.
Coding change: c.1728T>G on transcript NM_001851.6 (MANE Select); coding-DNA position 1728, T replaced by G.
Protein change: p.Pro576=; no amino-acid change (proline 576 retained).
Molecular consequence: synonymous variant. On other transcripts: non-coding transcript variant (1).
Genome position (GRCh38, 1-based): chr6:70,253,421, A>C on the plus strand (T>G on the coding strand, the complement: COL9A1 is on the minus strand). VCF-style: chr6-70253421-A-C. GRCh37 (hg19) VCF-style: chr6-70963124-A-C.
Other names: p.Pro576=; c.1029T>G, p.Pro343= (NM_001377289.1); c.999T>G, p.Pro333= (NM_001377290.1, NM_078485.4).
Identifiers: ClinVar variation 195957 (VCV000195957.22), dbSNP rs9346373, ClinGen allele CA202049.
Genomic context (GRCh38, chr6:70,253,421, plus strand): 5'-AACTTAAATTTTAAAATATTTTACCTTTTCACCAGCAACACCCTTTGCACCAGGAATTCC[A>C]GGTACACCCTAAAAGAATACATACACAATCCTAGTTTAATCACCTCCTCTGAGAATCCAT-3'
Protein context (NP_001842.3, residues 566-586): DAGLQGLPGV[Pro576=]GIPGAKGVAG

ClinVar aggregate classification (germline): Benign. Review status: criteria provided, multiple submitters, no conflicts (2 of 4 stars). 10 submissions from 10 submitters: Benign (8). 2 of the submissions do not count toward it. Last evaluated 2026-05-08.

Conditions:
Epiphyseal dysplasia, multiple, 6. Also called: COL9A1-Related Multiple Epiphyseal Dysplasia. Identifiers: MedGen C2675767, MONDO:0013591, OMIM 614135.

Allele frequency attached by ClinVar (database versions not stated): ESP Exome Variant Server 0.16223; TOPMed 0.16372; 1000 Genomes Project 0.18970; 1000 Genomes Project 30x 0.19363.
gnomAD v4.1: 185,094 of 1,602,762 alleles (12%); highest among the groups gnomAD compares: African/African-American, 28%; 12,555 homozygotes.

Submissions (10):

Women's Health and Genetics/Laboratory Corporation of America, LabCorp
Classification: Benign. Last evaluated: 2026-05-08. Review status: criteria provided, single submitter. Criteria: LabCorp Variant Classification Summary - May 2015. Collection method: clinical testing. Allele origin: germline.

Labcorp Genetics (formerly Invitae), Labcorp
Classification: Benign. Last evaluated: 2026-02-04. Review status: criteria provided, single submitter. Criteria: Invitae Variant Classification Sherloc (09022015). Collection method: clinical testing. Allele origin: germline.

Blueprint Genetics
Classification: Benign. Last evaluated: 2024-11-26. Review status: criteria provided, single submitter. Criteria: ACMG Guidelines, 2015. Collection method: clinical testing. Allele origin: germline.

Genome-Nilou Lab
Classification: Benign for Epiphyseal dysplasia, multiple, 6. Last evaluated: 2021-07-30. Review status: criteria provided, single submitter. Criteria: ACMG Guidelines, 2015. Collection method: clinical testing. Allele origin: germline. Affected: no.

Mayo Clinic Laboratories, Mayo Clinic
Classification: Benign. Last evaluated: 2020-12-04. Review status: criteria provided, single submitter. Criteria: ACMG Guidelines, 2015. Collection method: clinical testing. Allele origin: germline. Observed: 38 variant alleles.

GeneDx
Classification: Benign. Last evaluated: 2016-09-30. Review status: criteria provided, single submitter. Criteria: GeneDx Variant Classification (06012015). Collection method: clinical testing. Allele origin: germline. Affected: yes.
Comment: This variant is considered likely benign or benign based on one or more of the following criteria: it is a conservative change, it occurs at a poorly conserved position in the protein, it is predicted to be benign by multiple in silico algorithms, and/or has population frequency not consistent with disease.

Eurofins Ntd Llc (ga)
Classification: Benign. Last evaluated: 2015-01-06. Review status: criteria provided, single submitter. Criteria: EGL Classification Definitions 2015. Collection method: clinical testing. Allele origin: germline. Observed: 52 variant alleles, 45 heterozygotes, 7 homozygotes.

PreventionGenetics, part of Exact Sciences
Classification: Benign. Review status: criteria provided, single submitter. Criteria: ACMG Guidelines, 2015. Collection method: clinical testing. Allele origin: germline.

Genome Diagnostics Laboratory, Amsterdam University Medical Center
Classification: Benign. Review status: no assertion criteria provided. Collection method: clinical testing. Allele origin: germline. Affected: yes. Study: VKGL Data-share Consensus. Not counted in ClinVar's aggregate classification.

Joint Genome Diagnostic Labs from Nijmegen and Maastricht, Radboudumc and MUMC+
Classification: Benign. Review status: no assertion criteria provided. Collection method: clinical testing. Allele origin: germline. Affected: yes. Study: VKGL Data-share Consensus. Not counted in ClinVar's aggregate classification.